The following is an entry in ClinVar:

ClinVar aggregate classification (germline): Uncertain significance. Review status: criteria provided, multiple submitters, no conflicts (2 of 4 stars). 2 submissions from 2 submitters: Uncertain significance (2). Last evaluated 2024-12-23.

Conditions:
Mucopolysaccharidosis, MPS-III-D (MPS3D). Also called: N-ACETYLGLUCOSAMINE-6-SULFATASE DEFICIENCY; SANFILIPPO SYNDROME D; MPS III D; Mucopoly-saccharidosis type 3D; N-acetylglucosamine-6-sulfate sulfatase deficiency; MPS 3D. Identifiers: Orphanet 581, Orphanet 79272, MedGen C0086650, MONDO:0009658, OMIM 252940.
GNS-related disorder. Also called: GNS-related condition.

Allele frequency attached by ClinVar (database versions not stated): gnomAD exomes below 0.00001; TOPMed below 0.00001; ExAC 0.00001; gnomAD 0.00001.
gnomAD v4.1: 6 of 1,609,856 alleles (0.00037%); highest among the groups gnomAD compares: Admixed American, 0.0017%; no homozygotes.

Submissions (2):

PreventionGenetics, part of Exact Sciences
Classification: Uncertain significance for GNS-related condition. Last evaluated: 2024-12-23. Review status: criteria provided, single submitter. Criteria: ACMG Guidelines, 2015. Collection method: clinical testing. Allele origin: germline.
Comment: The GNS c.1516C>T variant is predicted to result in the amino acid substitution p.Arg506Trp. To our knowledge, this variant has not been reported in the literature. This variant is reported in 0.00088% of alleles in individuals of European (Non-Finnish) descent in gnomAD. At this time, the clinical significance of this variant is uncertain due to the absence of conclusive functional and genetic evidence.

Labcorp Genetics (formerly Invitae), Labcorp
Classification: Uncertain significance for Mucopolysaccharidosis, MPS-III-D. Last evaluated: 2022-10-17. Review status: criteria provided, single submitter. Criteria: Invitae Variant Classification Sherloc (09022015). Collection method: clinical testing. Allele origin: germline.
Comment: This sequence change replaces arginine, which is basic and polar, with tryptophan, which is neutral and slightly polar, at codon 506 of the GNS protein (p.Arg506Trp). This variant is present in population databases (rs768332556, gnomAD 0.0009%). This variant has not been reported in the literature in individuals affected with GNS-related conditions. Advanced modeling of protein sequence and biophysical properties (such as structural, functional, and spatial information, amino acid conservation, physicochemical variation, residue mobility, and thermodynamic stability) performed at Invitae indicates that this missense variant is expected to disrupt GNS protein function. In summary, the available evidence is currently insufficient to determine the role of this variant in disease. Therefore, it has been classified as a Variant of Uncertain Significance.

NM_002076.4(GNS):c.1516C>T (p.Arg506Trp)

Gene: GNS (glucosamine (N-acetyl)-6-sulfatase; minus strand). Cytogenetic location: 12q14.3.
Variant type: single nucleotide variant.
Coding change: c.1516C>T on transcript NM_002076.4 (MANE Select); coding-DNA position 1516, C replaced by T.
Protein change: p.Arg506Trp; replaces arginine 506 with tryptophan.
Molecular consequence: missense variant.
Genome position (GRCh38, 1-based): chr12:64,720,086, G>A on the plus strand (C>T on the coding strand, the complement: GNS is on the minus strand). VCF-style: chr12-64720086-G-A. GRCh37 (hg19) VCF-style: chr12-65113866-G-A.
Other names: c.1516C>T (NM_002076.3); short protein forms R506W.
Identifiers: ClinVar variation 2166010 (VCV002166010.2), dbSNP rs768332556, ClinGen allele CA6669641.